The following is an entry in ClinVar:

ClinVar aggregate classification (germline): Benign (1 of 4 stars; one submission).

Submission:

ISCA site 4
Classification: Benign. Last evaluated: 2011-08-12. Review status: criteria provided, single submitter. Criteria: Kaminsky et al. (Genet Med. 2011). Collection method: clinical testing. Allele origin: unknown. Affected: yes. Observed: 18 variant alleles. Clinical features observed: Developmental delay AND/OR other significant developmental or morphological phenotypes, Abnormality of the nervous system (HP:0000707), Global developmental delay (HP:0001263), Autism (HP:0000717), Dextrocardia (HP:0001651), Short stature (HP:0004322), Abnormality of the aortic valve (HP:0001646), Abnormality of cardiac morphology (HP:0001627), Expressive language delay (HP:0002474).
Comment: Copy number variation identified through the course of routine clinical cytogenomic testing in postnatal populations. Clinical assertions have been curated as described in Kaminsky et al. 2011.

GRCh38/hg38 6p25.3(chr6:259528-293493)x3

Genes: DUSP22 (dual specificity phosphatase 22; plus strand), LOC129995536 (ATAC-STARR-seq lymphoblastoid active region 23815; plus strand), LOC129995537 (ATAC-STARR-seq lymphoblastoid active region 23816; plus strand), LOC129995538 (ATAC-STARR-seq lymphoblastoid active region 23818; plus strand). Cytogenetic location: 6p25.3.
Variant type: copy number gain.
Change: copy number 3 (three copies instead of two) of chr6:259,528-293,493 (34.0 kb, GRCh38 coordinates, 1-based), cytogenetic band 6p25.3.
Identifiers: ClinVar variation 160993 (VCV000160993.1).